The following is an entry in ClinVar:

NM_177438.3(DICER1):c.298G>C (p.Val100Leu)

Gene: DICER1 (dicer 1, ribonuclease III; minus strand). Cytogenetic location: 14q32.13.
Variant type: single nucleotide variant.
Coding change: c.298G>C on transcript NM_177438.3 (MANE Select); coding-DNA position 298, G replaced by C.
Protein change: p.Val100Leu; replaces valine 100 with leucine.
Molecular consequence: missense variant. On other transcripts: 5 prime UTR variant (2), non-coding transcript variant (6).
Genome position (GRCh38, 1-based): chr14:95,132,524, C>G on the plus strand (G>C on the coding strand, the complement: DICER1 is on the minus strand). VCF-style: chr14-95132524-C-G. GRCh37 (hg19) VCF-style: chr14-95598861-C-G.
Other names: c.298G>C, p.Val100Leu (NM_001195573.1, NM_001271282.3, NM_001291628.2 and 15 more transcripts); c.24G>C, p.Trp8Cys (NM_001395686.1, NM_001395687.1, NM_001395688.1 and 4 more transcripts); c.-161G>C (NM_001395691.1); c.-1271G>C (NM_001395697.1); short protein forms V100L, W8C.
Identifiers: ClinVar variation 1940502 (VCV001940502.6), dbSNP rs2140287208, ClinGen allele CA390889631.

ClinVar aggregate classification (germline): Uncertain significance. Review status: criteria provided, multiple submitters, no conflicts (2 of 4 stars). 2 submissions from 2 submitters: Uncertain significance (2). Last evaluated 2026-01-12.

Conditions:
Hereditary cancer-predisposing syndrome. Also called: Tumor predisposition; Hereditary Cancer Syndrome; Hereditary neoplastic syndrome; Neoplastic Syndromes, Hereditary. Identifiers: Orphanet 140162, MedGen C0027672, MeSH D009386, MONDO:0015356.
DICER1-related tumor predisposition. Also called: DICER1-related pleuropulmonary blastoma cancer predisposition syndrome; DICER1 syndrome. Identifiers: Orphanet 284343, MedGen C3839822, MONDO:0100216.

Submissions (2):

Ambry Genetics
Classification: Uncertain significance for Hereditary cancer-predisposing syndrome. Last evaluated: 2026-01-12. Review status: criteria provided, single submitter. Criteria: Ambry Variant Classification Scheme 2023. Collection method: clinical testing. Allele origin: germline.
Comment: The p.V100L variant (also known as c.298G>C), located in coding exon 2 of the DICER1 gene, results from a G to C substitution at nucleotide position 298. The valine at codon 100 is replaced by leucine, an amino acid with highly similar properties. This amino acid position is conserved. In addition, this alteration is predicted to be deleterious by in silico analysis. Based on the available evidence, the clinical significance of this variant remains unclear.

Labcorp Genetics (formerly Invitae), Labcorp
Classification: Uncertain significance for DICER1-related tumor predisposition. Last evaluated: 2023-04-24. Review status: criteria provided, single submitter. Criteria: Invitae Variant Classification Sherloc (09022015). Collection method: clinical testing. Allele origin: germline.
Comment: Advanced modeling of protein sequence and biophysical properties (such as structural, functional, and spatial information, amino acid conservation, physicochemical variation, residue mobility, and thermodynamic stability) performed at Invitae indicates that this missense variant is not expected to disrupt DICER1 protein function. In summary, the available evidence is currently insufficient to determine the role of this variant in disease. Therefore, it has been classified as a Variant of Uncertain Significance. ClinVar contains an entry for this variant (Variation ID: 1940502). This variant has not been reported in the literature in individuals affected with DICER1-related conditions. This variant is not present in population databases (gnomAD no frequency). This sequence change replaces valine, which is neutral and non-polar, with leucine, which is neutral and non-polar, at codon 100 of the DICER1 protein (p.Val100Leu).